The following is an entry in ClinVar:

ClinVar aggregate classification (germline): Uncertain significance (1 of 4 stars; one submission).

Conditions:
Cardiovascular phenotype. Identifiers: MedGen CN230736.

Submission:

Ambry Genetics
Classification: Uncertain significance for Cardiovascular phenotype. Last evaluated: 2023-09-20. Review status: criteria provided, single submitter. Criteria: Ambry Variant Classification Scheme 2023. Collection method: clinical testing. Allele origin: germline.
Comment: The p.A966P variant (also known as c.2896G>C), located in coding exon 21 of the DSP gene, results from a G to C substitution at nucleotide position 2896. The alanine at codon 966 is replaced by proline, an amino acid with highly similar properties. This amino acid position is conserved. In addition, this alteration is predicted to be deleterious by in silico analysis. Since supporting evidence is limited at this time, the clinical significance of this alteration remains unclear.

NM_004415.4(DSP):c.2896G>C (p.Ala966Pro)

Gene: DSP (desmoplakin; plus strand). Cytogenetic location: 6p24.3.
Variant type: single nucleotide variant.
Coding change: c.2896G>C on transcript NM_004415.4 (MANE Select); coding-DNA position 2896, G replaced by C.
Protein change: p.Ala966Pro; replaces alanine 966 with proline.
Molecular consequence: missense variant.
Genome position (GRCh38, 1-based): chr6:7,577,797, G>C. VCF-style: chr6-7577797-G-C. GRCh37 (hg19) VCF-style: chr6-7578030-G-C.
Other names: c.2896G>C, p.Ala966Pro (NM_001008844.3, NM_001319034.2); short protein forms A966P.
Identifiers: ClinVar variation 2587401 (VCV002587401.2), dbSNP rs1215518429, ClinGen allele CA362682393.